The following is an entry in ClinVar:

ClinVar aggregate classification (germline): Benign. Review status: criteria provided, multiple submitters, no conflicts (2 of 4 stars). 3 submissions from 3 submitters: Benign (2). 1 of the submissions does not count toward it. Last evaluated 2025-09-03.

Conditions:
MARVELD2-related disorder. Also called: MARVELD2-related condition.

Allele frequency attached by ClinVar (database versions not stated): gnomAD below 0.00001 and 0.00021; TOPMed 0.00002; gnomAD exomes 0.00031 and 0.00050; ExAC 0.00064; 1000 Genomes Project 0.00240.
gnomAD v4.1: 489 of 1,614,068 alleles (0.03%); highest among the groups gnomAD compares: South Asian, 0.51%; 5 homozygotes.

Submissions (3):

Labcorp Genetics (formerly Invitae), Labcorp
Classification: Benign. Last evaluated: 2025-09-03. Review status: criteria provided, single submitter. Criteria: Invitae Variant Classification Sherloc (09022015). Collection method: clinical testing. Allele origin: germline.

Laboratory for Molecular Medicine, Mass General Brigham Personalized Medicine
Classification: Benign. Last evaluated: 2017-08-23. Review status: criteria provided, single submitter. Criteria: LMM Criteria. Collection method: clinical testing. Allele origin: germline. Observed: 1 variant allele.
Comment: p.Thr168Thr in exon 2 of MARVELD2: This variant is not expected to have clinical significance because it does not alter an amino acid residue, is not located wi thin the splice consensus sequence, and has been identified in 0.46% (76/16502) of South Asian chromosomes by the Exome Aggregation Consortium (ExAC; dbSNP rs568560843).

PreventionGenetics, part of Exact Sciences
Classification: Likely benign for MARVELD2-related condition. Last evaluated: 2019-06-27. Review status: no assertion criteria provided. Collection method: clinical testing. Allele origin: germline. Not counted in ClinVar's aggregate classification.
Comment: This variant is classified as likely benign based on ACMG/AMP sequence variant interpretation guidelines (Richards et al. 2015 PMID: 25741868, with internal and published modifications).

NM_001038603.3(MARVELD2):c.504A>G (p.Thr168=)

Gene: MARVELD2 (MARVEL domain containing 2; plus strand). Cytogenetic location: 5q13.2.
Variant type: single nucleotide variant.
Coding change: c.504A>G on transcript NM_001038603.3 (MANE Select); coding-DNA position 504, A replaced by G.
Protein change: p.Thr168=; no amino-acid change (threonine 168 retained).
Molecular consequence: synonymous variant.
Genome position (GRCh38, 1-based): chr5:69,419,889, A>G. VCF-style: chr5-69419889-A-G. GRCh37 (hg19) VCF-style: chr5-68715716-A-G.
Other names: c.504A>G, p.Thr168= (NM_001244734.2).
Identifiers: ClinVar variation 517556 (VCV000517556.13), dbSNP rs568560843, ClinGen allele CA3294064.
Genomic context (GRCh38, chr5:69,419,889, plus strand): 5'-AGAGGCTGACGCAGTGTTTCCCCGGGATCCCTATGGATCTCTAGACCGACACACACAAAC[A>G]GTTCGAACATACAGTGAGAAGGTGGAGGAGTATAACCTGAGATACTCCTACATGAAGTCG-3'
Protein context (NP_001033692.2, residues 158-178): PYGSLDRHTQ[Thr168=]VRTYSEKVEE